The following is an entry in ClinVar:

ClinVar aggregate classification (germline): Uncertain significance (1 of 4 stars; one submission).

Conditions:
Ullrich congenital muscular dystrophy 2 (UCMD2). Identifiers: Orphanet 75840, MedGen C4225314, MONDO:0014654, OMIM 616470.
Bethlem myopathy 2 (BTHLM2). Identifiers: Orphanet 536516, Orphanet 610, MedGen C4225313, MONDO:0034022, OMIM 616471.

Submission:

Labcorp Genetics (formerly Invitae), Labcorp
Classification: Uncertain significance for Bethlem myopathy 2; Ullrich congenital muscular dystrophy 2. Last evaluated: 2025-07-01. Review status: criteria provided, single submitter. Criteria: Invitae Variant Classification Sherloc (09022015). Collection method: clinical testing. Allele origin: germline.
Comment: This sequence change replaces proline, which is neutral and non-polar, with leucine, which is neutral and non-polar, at codon 2837 of the COL12A1 protein (p.Pro2837Leu). This variant is not present in population databases (gnomAD no frequency). This variant has not been reported in the literature in individuals affected with COL12A1-related conditions. ClinVar contains an entry for this variant (Variation ID: 1969994). An algorithm developed to predict the effect of missense changes on protein structure and function (PolyPhen-2) suggests that this variant is likely to be tolerated. In summary, the available evidence is currently insufficient to determine the role of this variant in disease. Therefore, it has been classified as a Variant of Uncertain Significance.

NM_004370.6(COL12A1):c.8510C>T (p.Pro2837Leu)

Gene: COL12A1 (collagen type XII alpha 1 chain; minus strand). Cytogenetic location: 6q13.
Variant type: single nucleotide variant.
Coding change: c.8510C>T on transcript NM_004370.6 (MANE Select); coding-DNA position 8510, C replaced by T.
Protein change: p.Pro2837Leu; replaces proline 2837 with leucine.
Molecular consequence: missense variant.
Genome position (GRCh38, 1-based): chr6:75,101,613, G>A on the plus strand (C>T on the coding strand, the complement: COL12A1 is on the minus strand). VCF-style: chr6-75101613-G-A. GRCh37 (hg19) VCF-style: chr6-75811329-G-A.
Other names: c.5018C>T, p.Pro1673Leu (NM_080645.3); short protein forms P2837L, P1673L.
Identifiers: ClinVar variation 1969994 (VCV001969994.5), dbSNP rs2533095671, ClinGen allele CA364738850.